The following is an entry in ClinVar:

ClinVar aggregate classification (germline): Uncertain significance (1 of 4 stars; one submission).

Conditions:
Combined immunodeficiency due to DOCK8 deficiency (HIES2). Also called: HYPER-IgE SYNDROME 2, AUTOSOMAL RECESSIVE, WITH RECURRENT INFECTIONS; DOCK8 Deficiency; HIES autosomal recessive; Hyper-IgE recurrent infection syndrome, autosomal recessive; HYPER-IgE RECURRENT INFECTION SYNDROME 2, AUTOSOMAL RECESSIVE. Identifiers: Orphanet 217390, MedGen C4722305, MONDO:0009478, OMIM 243700.

Submission:

Labcorp Genetics (formerly Invitae), Labcorp
Classification: Uncertain significance for Combined immunodeficiency due to DOCK8 deficiency. Last evaluated: 2025-02-25. Review status: criteria provided, single submitter. Criteria: Invitae Variant Classification Sherloc (09022015). Collection method: clinical testing. Allele origin: germline.
Comment: This sequence change replaces methionine, which is neutral and non-polar, with valine, which is neutral and non-polar, at codon 1589 of the DOCK8 protein (p.Met1589Val). This variant is not present in population databases (gnomAD no frequency). This variant has not been reported in the literature in individuals affected with DOCK8-related conditions. Invitae Evidence Modeling of protein sequence and biophysical properties (such as structural, functional, and spatial information, amino acid conservation, physicochemical variation, residue mobility, and thermodynamic stability) indicates that this missense variant is not expected to disrupt DOCK8 protein function with a negative predictive value of 80%. Algorithms developed to predict the effect of sequence changes on RNA splicing suggest that this variant may disrupt the consensus splice site. In summary, the available evidence is currently insufficient to determine the role of this variant in disease. Therefore, it has been classified as a Variant of Uncertain Significance.

NM_203447.4(DOCK8):c.4765A>G (p.Met1589Val)

Gene: DOCK8 (dedicator of cytokinesis 8; plus strand). Cytogenetic location: 9p24.3.
Variant type: single nucleotide variant.
Coding change: c.4765A>G on transcript NM_203447.4 (MANE Select); coding-DNA position 4765, A replaced by G.
Protein change: p.Met1589Val; replaces methionine 1589 with valine.
Molecular consequence: missense variant.
Genome position (GRCh38, 1-based): chr9:432,304, A>G. VCF-style: chr9-432304-A-G. GRCh37 (hg19) VCF-style: chr9-432304-A-G.
Other names: c.4465A>G, p.Met1489Val (NM_001190458.2); c.4561A>G, p.Met1521Val (NM_001193536.2); short protein forms M1489V, M1521V, M1589V.
Identifiers: ClinVar variation 4741488 (VCV004741488.1).